The following is an entry in ClinVar:

NM_004525.3(LRP2):c.9765T>A (p.Phe3255Leu)

Gene: LRP2 (LDL receptor related protein 2; minus strand). Cytogenetic location: 2q31.1.
Variant type: single nucleotide variant.
Coding change: c.9765T>A on transcript NM_004525.3 (MANE Select); coding-DNA position 9765, T replaced by A.
Protein change: p.Phe3255Leu; replaces phenylalanine 3255 with leucine.
Molecular consequence: missense variant.
Genome position (GRCh38, 1-based): chr2:169,185,583, A>T on the plus strand (T>A on the coding strand, the complement: LRP2 is on the minus strand). VCF-style: chr2-169185583-A-T. GRCh37 (hg19) VCF-style: chr2-170042093-A-T.
Other names: c.9765T>A (NM_004525.2); short protein forms F3255L.
Identifiers: ClinVar variation 1418736 (VCV001418736.6), dbSNP rs770184051, ClinGen allele CA1953521.
Genomic context (GRCh38, chr2:169,185,583, plus strand): 5'-CAGACTTTCTGCAGCTGGTAGTCTGTGGTTTATGATTGTCTCCTTGTTTGTCTTATTCAG[A>T]AACATTCTCTCAATGACTTGCCTCTGTGTATCAATCCAATACAATCTCTTCTCTACTCGG-3'
Protein context (NP_004516.2, residues 3245-3265): DTQRQVIERM[Phe3255Leu]LNKTNKETII

ClinVar aggregate classification (germline): Uncertain significance. Review status: criteria provided, multiple submitters, no conflicts (2 of 4 stars). 2 submissions from 2 submitters: Uncertain significance (2). Last evaluated 2026-02-23.

Allele frequency attached by ClinVar (database versions not stated): gnomAD exomes below 0.00001 and 0.00001; ExAC 0.00001.
gnomAD v4.1: 11 of 1,614,106 alleles (0.00068%); highest among the groups gnomAD compares: Non-Finnish European, 0.00093%; no homozygotes.

Submissions (2):

GeneDx
Classification: Uncertain significance. Last evaluated: 2026-02-23. Review status: criteria provided, single submitter. Criteria: GeneDx Variant Classification Process June 2021. Collection method: clinical testing. Allele origin: germline.
Comment: Not observed at significant frequency in large population cohorts (gnomAD); In silico analysis supports that this missense variant has a deleterious effect on protein structure/function; Has not been previously published as pathogenic or benign to our knowledge

Labcorp Genetics (formerly Invitae), Labcorp
Classification: Uncertain significance. Last evaluated: 2022-03-10. Review status: criteria provided, single submitter. Criteria: Invitae Variant Classification Sherloc (09022015). Collection method: clinical testing. Allele origin: germline.
Comment: This sequence change replaces phenylalanine, which is neutral and non-polar, with leucine, which is neutral and non-polar, at codon 3255 of the LRP2 protein (p.Phe3255Leu). This variant is present in population databases (rs770184051, gnomAD 0.002%). This variant has not been reported in the literature in individuals affected with LRP2-related conditions. Algorithms developed to predict the effect of missense changes on protein structure and function (SIFT, PolyPhen-2, Align-GVGD) all suggest that this variant is likely to be tolerated. In summary, the available evidence is currently insufficient to determine the role of this variant in disease. Therefore, it has been classified as a Variant of Uncertain Significance.